The following is an entry in ClinVar:

NM_001376.5(DYNC1H1):c.1507C>G (p.Gln503Glu)

Gene: DYNC1H1 (dynein cytoplasmic 1 heavy chain 1; plus strand). Cytogenetic location: 14q32.31.
Variant type: single nucleotide variant.
Coding change: c.1507C>G on transcript NM_001376.5 (MANE Select); coding-DNA position 1507, C replaced by G.
Protein change: p.Gln503Glu; replaces glutamine 503 with glutamic acid.
Molecular consequence: missense variant.
Genome position (GRCh38, 1-based): chr14:101,985,732, C>G. VCF-style: chr14-101985732-C-G. GRCh37 (hg19) VCF-style: chr14-102452069-C-G.
Other names: short protein forms Q503E.
Identifiers: ClinVar variation 408984 (VCV000408984.8), dbSNP rs1060502209, ClinGen allele CA16614082.

ClinVar aggregate classification (germline): Uncertain significance (1 of 4 stars; one submission).

Conditions:
Charcot-Marie-Tooth disease axonal type 2O. Also called: CHARCOT-MARIE-TOOTH NEUROPATHY, AXONAL, TYPE 2O; CHARCOT-MARIE-TOOTH DISEASE, AXONAL, AUTOSOMAL DOMINANT, TYPE 2O; Charcot-Marie-Tooth Neuropathy Type 2O; Charcot-Marie-Tooth disease, axonal, type 20. Identifiers: Orphanet 284232, MedGen C3280220, MONDO:0013644, OMIM 614228.

Submission:

Labcorp Genetics (formerly Invitae), Labcorp
Classification: Uncertain significance for Charcot-Marie-Tooth disease axonal type 2O. Last evaluated: 2016-12-24. Review status: criteria provided, single submitter. Criteria: Invitae Variant Classification Sherloc (09022015). Collection method: clinical testing. Allele origin: germline.
Comment: In summary, this variant is a novel missense change that is not predicted to affect protein function. There is no indication that it causes disease, but the available evidence is currently insufficient to prove that conclusively. Therefore, it has been classified as a Variant of Uncertain Significance. Algorithms developed to predict the effect of missense changes on protein structure and function (SIFT, PolyPhen-2, Align-GVGD) all suggest that this variant is likely to be tolerated, but these predictions have not been confirmed by published functional studies. This variant is not present in population databases (ExAC no frequency) and has not been reported in the literature in individuals with a DYNC1H1-related disease. This sequence change replaces glutamine with glutamic acid at codon 503 of the DYNC1H1 protein (p.Gln503Glu). The glutamine residue is moderately conserved and there is a small physicochemical difference between glutamine and glutamic acid.